The following is an entry in ClinVar:

ClinVar aggregate classification (germline): Benign/Likely benign. Review status: criteria provided, multiple submitters, no conflicts (2 of 4 stars). 3 submissions from 3 submitters: Benign (1); Likely benign (2). Last evaluated 2026-01-26.

Conditions:
Paragangliomas with sensorineural hearing loss. Identifiers: MedGen C1868633.
Pheochromocytoma. Also called: MAX-Related Hereditary Paraganglioma-Pheochromocytoma Syndrome. Identifiers: Orphanet 29072, MedGen C0031511, MONDO:0008233, OMIM 171300, HP:0002666.
Carney-Stratakis syndrome. Also called: PARAGANGLIOMA AND GASTROINTESTINAL STROMAL TUMOR. Identifiers: Orphanet 97286, MedGen C1847319, MONDO:0011740, OMIM 606864.
Cowden syndrome 3 (CWS3). Identifiers: Orphanet 201, MedGen CN166604, MONDO:0014045.
Pheochromocytoma/paraganglioma syndrome 1. Also called: Paragangliomas 1; Glomus tumors familial 1; Paraganglioma - glomus jugulare; PARAGANGLIOMAS, FAMILIAL NONCHROMAFFIN, 1; PGL 1; Paragangliomas familial 1. Identifiers: Orphanet 29072, MedGen C3494181, MONDO:0008192, OMIM 168000.
Hereditary cancer-predisposing syndrome. Also called: Neoplastic Syndromes, Hereditary; Tumor predisposition; Hereditary neoplastic syndrome; Hereditary Cancer Syndrome. Identifiers: Orphanet 140162, MedGen C0027672, MeSH D009386, MONDO:0015356.

Allele frequency attached by ClinVar (database versions not stated): TOPMed 0.00002; gnomAD 0.00003.

Submissions (3):

Labcorp Genetics (formerly Invitae), Labcorp
Classification: Likely benign for Carney-Stratakis syndrome; Paragangliomas with sensorineural hearing loss; Pheochromocytoma; Cowden syndrome 3. Last evaluated: 2026-01-26. Review status: criteria provided, single submitter. Criteria: Invitae Variant Classification Sherloc (09022015). Collection method: clinical testing. Allele origin: germline.

Ambry Genetics
Classification: Likely benign for Hereditary cancer-predisposing syndrome. Last evaluated: 2025-05-21. Review status: criteria provided, single submitter. Criteria: Ambry Variant Classification Scheme 2023. Collection method: clinical testing. Allele origin: germline.

Myriad Genetics, Inc.
Classification: Benign for Pheochromocytoma/paraganglioma syndrome 1. Last evaluated: 2025-03-17. Review status: criteria provided, single submitter. Criteria: Myriad Autosomal Dominant, Autosomal Recessive and X-Linked Classification Criteria (2023). Collection method: clinical testing. Allele origin: unknown.
Comment: This variant is considered benign. This variant is a silent/synonymous amino acid change and it is not expected to impact splicing.

NM_003002.4(SDHD):c.282C>T (p.Ser94=)

Gene: SDHD (succinate dehydrogenase complex subunit D; plus strand). Cytogenetic location: 11q23.1.
Variant type: single nucleotide variant.
Coding change: c.282C>T on transcript NM_003002.4 (MANE Select); coding-DNA position 282, C replaced by T.
Protein change: p.Ser94=; no amino-acid change (serine 94 retained).
Molecular consequence: synonymous variant. On other transcripts: non-coding transcript variant (1), intron variant (1).
Genome position (GRCh38, 1-based): chr11:112,088,979, C>T. VCF-style: chr11-112088979-C-T. GRCh37 (hg19) VCF-style: chr11-111959703-C-T.
Other names: c.165C>T, p.Ser55= (NM_001276504.2); c.282C>T, p.Ser94= (NM_001276506.2); c.169+1006C>T (NM_001276503.2).
Identifiers: ClinVar variation 239466 (VCV000239466.19), dbSNP rs781182616, ClinGen allele CA071017.